The following is an entry in ClinVar:

NM_000059.4(BRCA2):c.8274G>C (p.Leu2758=)

Gene: BRCA2 (BRCA2 DNA repair associated; plus strand). Cytogenetic location: 13q13.1.
Variant type: single nucleotide variant.
Coding change: c.8274G>C on transcript NM_000059.4 (MANE Select); coding-DNA position 8274, G replaced by C.
Protein change: p.Leu2758=; no amino-acid change (leucine 2758 retained).
Molecular consequence: synonymous variant.
Genome position (GRCh38, 1-based): chr13:32,363,476, G>C. VCF-style: chr13-32363476-G-C. GRCh37 (hg19) VCF-style: chr13-32937613-G-C.
Identifiers: ClinVar variation 427510 (VCV000427510.11), dbSNP rs770137271, ClinGen allele CA6941203.

ClinVar aggregate classification (germline): Likely benign. Review status: reviewed by expert panel (3 of 4 stars). 4 submissions from 4 submitters: Likely benign (1). 3 of the submissions do not count toward it. Last evaluated 2017-06-29.

Conditions:
Hereditary cancer-predisposing syndrome. Also called: Hereditary neoplastic syndrome; Hereditary Cancer Syndrome; Neoplastic Syndromes, Hereditary; Tumor predisposition. Identifiers: Orphanet 140162, MedGen C0027672, MeSH D009386, MONDO:0015356.
Breast-ovarian cancer, familial, susceptibility to, 2 (BROVCA2). Also called: BRCA2 Hereditary Breast and Ovarian Cancer. Identifiers: Orphanet 145, MedGen C2675520, MONDO:0012933, OMIM 612555. Disease mechanism: loss of function.
Hereditary breast ovarian cancer syndrome. Also called: Hereditary breast and ovarian cancer syndrome; BRCA1- and BRCA2-Associated Hereditary Breast and Ovarian Cancer; Hereditary breast and/or ovarian cancer syndrome; Hereditary breast and ovarian cancer; Breast and ovarian cancer; Hereditary breast and ovarian cancer syndrome (HBOC). Identifiers: Orphanet 145, MedGen C0677776, MeSH D061325, MONDO:0003582. Disease mechanism: loss of function.

Allele frequency attached by ClinVar (database versions not stated): ExAC 0.00001; gnomAD exomes 0.00001.
gnomAD v4.1: 6 of 1,614,072 alleles (0.00037%); highest among the groups gnomAD compares: South Asian, 0.0066%; no homozygotes.

Submissions (4):

Evidence-based Network for the Interpretation of Germline Mutant Alleles (ENIGMA)
Classification: Likely benign for Breast-ovarian cancer, familial, susceptibility to, 2. Last evaluated: 2017-06-29. Review status: reviewed by expert panel. Criteria: ENIGMA BRCA1/2 Classification Criteria (2017-06-29). Collection method: curation. Allele origin: germline.
Comment: Synonymous substitution variant, with low bioinformatic likelihood to result in a splicing aberration (Splicing prior probability 0.02).

Ambry Genetics
Classification: Likely benign for Hereditary cancer-predisposing syndrome. Last evaluated: 2024-11-21. Review status: criteria provided, single submitter. Criteria: Ambry Variant Classification Scheme 2023. Collection method: clinical testing. Allele origin: germline. Not counted in ClinVar's aggregate classification.

Labcorp Genetics (formerly Invitae), Labcorp
Classification: Likely benign for Hereditary breast ovarian cancer syndrome. Last evaluated: 2022-07-21. Review status: criteria provided, single submitter. Criteria: Invitae Variant Classification Sherloc (09022015). Collection method: clinical testing. Allele origin: germline. Not counted in ClinVar's aggregate classification.

Color Diagnostics, LLC DBA Color Health
Classification: Likely benign for Hereditary cancer-predisposing syndrome. Last evaluated: 2020-10-20. Review status: criteria provided, single submitter. Criteria: ACMG Guidelines, 2015. Collection method: clinical testing. Allele origin: germline. Not counted in ClinVar's aggregate classification.